The following is an entry in ClinVar:

NM_002016.2(FLG):c.2933C>A (p.Ser978Ter)

Genes: FLG (filaggrin; minus strand), CCDST (cervical cancer associated DHX9 suppressive transcript; plus strand). Cytogenetic location: 1q21.3.
Variant type: single nucleotide variant.
Coding change: c.2933C>A on transcript NM_002016.2 (MANE Select); coding-DNA position 2933, C replaced by A.
Protein change: p.Ser978Ter; replaces serine 978 with a stop codon.
Molecular consequence: nonsense.
Genome position (GRCh38, 1-based): chr1:152,311,953, G>T on the plus strand (C>A on the coding strand, the complement: FLG is on the minus strand). VCF-style: chr1-152311953-G-T. GRCh37 (hg19) VCF-style: chr1-152284429-G-T.
Other names: short protein forms S978*.
Identifiers: ClinVar variation 1334744 (VCV001334744.4), dbSNP rs575855434, ClinGen allele CA342086516.
Genomic context (GRCh38, chr1:152,311,953, plus strand): 5'-GAGTGCCCGTGACCGGCTCTGTCTTCGTGATGGGACCTGGGGTGTCTGGAGCCATGTCTT[G>T]ACTGCTCCTGAGCAGATCCACGATGGTTTCTGGAAGCAGACCCAGACCACCTCTCAGAGT-3'

ClinVar aggregate classification (germline): Likely pathogenic (1 of 4 stars; one submission).

Conditions:
Ichthyosis vulgaris. Also called: Dominant ichthyosis vulgaris; ICHTHYOSIS SIMPLEX. Identifiers: MedGen C0079584, MONDO:0024304, OMIM 146700.

gnomAD v4.1: 1 of 1,614,040 alleles (0.000062%); highest among the groups gnomAD compares: Non-Finnish European, 0.000085%; no homozygotes.

Submission:

Greenwood Genetic Center Diagnostic Laboratories, Greenwood Genetic Center
Classification: Likely pathogenic for Ichthyosis vulgaris. Last evaluated: 2021-06-24. Review status: criteria provided, single submitter. Criteria: ACMG Guidelines, 2015. Collection method: clinical testing. Allele origin: germline. Affected: yes.
Comment: PVS1, PM2